The following is an entry in ClinVar:

ClinVar aggregate classification (germline): Uncertain significance (1 of 4 stars; one submission).

Conditions:
Microcephaly, normal intelligence and immunodeficiency (NBS). Also called: Immunodeficiency, microcephaly with normal intelligence; Ataxia telangiectasia variant V1; IMMUNODEFICIENCY, MICROCEPHALY, AND CHROMOSOMAL INSTABILITY; BERLIN BREAKAGE SYNDROME; SEEMANOVA SYNDROME II; Nijmegen breakage syndrome. Identifiers: Orphanet 647, MedGen C0398791, MONDO:0009623, OMIM 251260.

Submission:

Labcorp Genetics (formerly Invitae), Labcorp
Classification: Uncertain significance for Microcephaly, normal intelligence and immunodeficiency. Last evaluated: 2017-10-17. Review status: criteria provided, single submitter. Criteria: Invitae Variant Classification Sherloc (09022015). Collection method: clinical testing. Allele origin: germline.
Comment: This sequence change replaces arginine with glycine at codon 592 of the NBN protein (p.Arg592Gly). The arginine residue is weakly conserved and there is a moderate physicochemical difference between arginine and glycine. This variant is not present in population databases (ExAC no frequency). This variant has not been reported in the literature in individuals with NBN-related disease. Algorithms developed to predict the effect of missense changes on protein structure and function do not agree on the potential impact of this missense change (SIFT: "Tolerated"; PolyPhen-2: "Benign"; Align-GVGD: "Class C0"). In summary, the available evidence is currently insufficient to determine the role of this variant in disease. Therefore, it has been classified as a Variant of Uncertain Significance.

NM_002485.5(NBN):c.1774A>G (p.Arg592Gly)

Gene: NBN (nibrin; minus strand). Cytogenetic location: 8q21.3.
Variant type: single nucleotide variant.
Coding change: c.1774A>G on transcript NM_002485.5 (MANE Select); coding-DNA position 1774, A replaced by G.
Protein change: p.Arg592Gly; replaces arginine 592 with glycine.
Molecular consequence: missense variant.
Genome position (GRCh38, 1-based): chr8:89,953,315, T>C on the plus strand (A>G on the coding strand, the complement: NBN is on the minus strand). VCF-style: chr8-89953315-T-C. GRCh37 (hg19) VCF-style: chr8-90965543-T-C.
Other names: c.1528A>G, p.Arg510Gly (NM_001024688.3); short protein forms R592G, R510G.
Identifiers: ClinVar variation 530761 (VCV000530761.8), dbSNP rs1554558245, ClinGen allele CA371655121.